The following is an entry in ClinVar:

ClinVar aggregate classification (germline): Uncertain significance. Review status: criteria provided, multiple submitters, no conflicts (2 of 4 stars). 2 submissions from 2 submitters: Uncertain significance (2). Last evaluated 2022-08-31.

Conditions:
Severe combined immunodeficiency due to DNA-PKcs deficiency. Also called: IMMUNODEFICIENCY 26 WITH NEUROLOGIC ABNORMALITIES; Immunodeficiency 26 with or without neurologic abnormalities. Identifiers: Orphanet 317425, MedGen C4014833, MONDO:0014423, OMIM 615966.

Allele frequency attached by ClinVar (database versions not stated): ExAC 0.00035; gnomAD exomes 0.00054 and 0.00026; ESP Exome Variant Server 0.00060; TOPMed 0.00028; gnomAD 0.00032 and 0.00034.
gnomAD v4.1: 808 of 1,551,466 alleles (0.052%); highest among the groups gnomAD compares: Non-Finnish European, 0.065%; no homozygotes.

Submissions (2):

GeneDx
Classification: Uncertain significance. Last evaluated: 2022-08-31. Review status: criteria provided, single submitter. Criteria: GeneDx Variant Classification Process June 2021. Collection method: clinical testing. Allele origin: germline. Affected: yes.
Comment: In silico analysis supports that this missense variant does not alter protein structure/function; Has not been previously published as pathogenic or benign to our knowledge

Labcorp Genetics (formerly Invitae), Labcorp
Classification: Uncertain significance for Severe combined immunodeficiency due to DNA-PKcs deficiency. Last evaluated: 2022-08-30. Review status: criteria provided, single submitter. Criteria: Invitae Variant Classification Sherloc (09022015). Collection method: clinical testing. Allele origin: germline.
Comment: This sequence change replaces arginine, which is basic and polar, with histidine, which is basic and polar, at codon 1986 of the PRKDC protein (p.Arg1986His). This variant is present in population databases (rs199898990, gnomAD 0.05%). This variant has not been reported in the literature in individuals affected with PRKDC-related conditions. ClinVar contains an entry for this variant (Variation ID: 643412). Algorithms developed to predict the effect of missense changes on protein structure and function output the following: SIFT: "Not Available"; PolyPhen-2: "Not Available"; Align-GVGD: "Not Available". The histidine amino acid residue is found in multiple mammalian species, which suggests that this missense change does not adversely affect protein function. In summary, the available evidence is currently insufficient to determine the role of this variant in disease. Therefore, it has been classified as a Variant of Uncertain Significance.

NM_006904.7(PRKDC):c.5957G>A (p.Arg1986His)

Gene: PRKDC (protein kinase, DNA-activated, catalytic subunit; minus strand). Cytogenetic location: 8q11.21.
Variant type: single nucleotide variant.
Coding change: c.5957G>A on transcript NM_006904.7 (MANE Select); coding-DNA position 5957, G replaced by A.
Protein change: p.Arg1986His; replaces arginine 1986 with histidine.
Molecular consequence: missense variant.
Genome position (GRCh38, 1-based): chr8:47,862,090, C>T on the plus strand (G>A on the coding strand, the complement: PRKDC is on the minus strand). VCF-style: chr8-47862090-C-T. GRCh37 (hg19) VCF-style: chr8-48774651-C-T.
Other names: c.5957G>A, p.Arg1986His (NM_001081640.2); short protein forms R1986H.
Identifiers: ClinVar variation 643412 (VCV000643412.6), dbSNP rs199898990, ClinGen allele CA4740530.